The following is an entry in ClinVar:

NM_000179.3(MSH6):c.1493A>G (p.Lys498Arg)

Gene: MSH6 (mutS homolog 6; plus strand). Cytogenetic location: 2p16.3.
Variant type: single nucleotide variant.
Coding change: c.1493A>G on transcript NM_000179.3 (MANE Select); coding-DNA position 1493, A replaced by G.
Protein change: p.Lys498Arg; replaces lysine 498 with arginine.
Molecular consequence: missense variant.
Genome position (GRCh38, 1-based): chr2:47,799,476, A>G. VCF-style: chr2-47799476-A-G. GRCh37 (hg19) VCF-style: chr2-48026615-A-G.
Other names: c.1103A>G, p.Lys368Arg (NM_001281492.2); c.587A>G, p.Lys196Arg (NM_001281493.2, NM_001281494.2); short protein forms K498R, K196R, K368R.
Identifiers: ClinVar variation 819362 (VCV000819362.16), dbSNP rs147136417, ClinGen allele CA067760.

ClinVar aggregate classification (germline): Conflicting classifications of pathogenicity. Review status: criteria provided, conflicting classifications (1 of 4 stars). 6 submissions from 6 submitters: Uncertain significance (4); Benign (1). 1 of the submissions does not count toward it. Last evaluated 2025-07-23.

Conditions:
Lynch syndrome. Identifiers: Orphanet 144, MedGen C4552100, MONDO:0005835. Disease mechanism: loss of function.
Hereditary nonpolyposis colorectal neoplasms. Identifiers: MedGen C0009405, MeSH D003123.
Malignant tumor of breast. Also called: Malignant breast neoplasm; Cancer breast. Identifiers: MedGen C0006142, MONDO:0007254. Disease mechanism: loss of function.
Hereditary cancer-predisposing syndrome. Also called: Hereditary Cancer Syndrome; Neoplastic Syndromes, Hereditary; Tumor predisposition; Hereditary neoplastic syndrome. Identifiers: Orphanet 140162, MedGen C0027672, MeSH D009386, MONDO:0015356.

Allele frequency attached by ClinVar (database versions not stated): gnomAD exomes 0.00001 and 0.00002; ExAC 0.00001; gnomAD 0.00002; TOPMed 0.00002; ESP Exome Variant Server 0.00008.
gnomAD v4.1: 14 of 1,614,086 alleles (0.00087%); highest among the groups gnomAD compares: African/African-American, 0.0067%; no homozygotes.

Submissions (6):

Labcorp Genetics (formerly Invitae), Labcorp
Classification: Benign for Hereditary nonpolyposis colorectal neoplasms. Last evaluated: 2025-07-23. Review status: criteria provided, single submitter. Criteria: Invitae Variant Classification Sherloc (09022015). Collection method: clinical testing. Allele origin: germline.

GeneDx
Classification: Uncertain significance. Last evaluated: 2024-07-30. Review status: criteria provided, single submitter. Criteria: GeneDx Variant Classification Process June 2021. Collection method: clinical testing. Allele origin: germline.
Comment: Not observed at significant frequency in large population cohorts (gnomAD); In silico analysis indicates that this missense variant does not alter protein structure/function; Has not been previously published as pathogenic or benign to our knowledge; This variant is associated with the following publications: (PMID: 23621914, 17531815, 21120944)

Ambry Genetics
Classification: Uncertain significance for Hereditary cancer-predisposing syndrome. Last evaluated: 2024-03-11. Review status: criteria provided, single submitter. Criteria: Ambry Variant Classification Scheme 2023. Collection method: clinical testing. Allele origin: germline.
Comment: The p.K498R variant (also known as c.1493A>G), located in coding exon 4 of the MSH6 gene, results from an A to G substitution at nucleotide position 1493. The lysine at codon 498 is replaced by arginine, an amino acid with highly similar properties. This variant was observed in 1/3251 individuals who met eligibility criteria for hereditary breast and ovarian cancer syndrome (Lerner-Ellis J et al. J Cancer Res Clin Oncol, 2021 Mar;147:871-879). This amino acid position is not well conserved in available vertebrate species. In addition, this alteration is predicted to be tolerated by in silico analysis. Based on the available evidence, the clinical significance of this alteration remains unclear.

All of Us Research Program, National Institutes of Health
Classification: Uncertain significance for Lynch syndrome. Last evaluated: 2023-09-17. Review status: criteria provided, single submitter. Criteria: ACMG Guidelines, 2015. Collection method: clinical testing. Allele origin: germline. Inheritance: Autosomal dominant inheritance. Observed: 1 variant allele, 1 heterozygote.
Comment: This missense variant replaces lysine with arginine at codon 498 of the MSH6 protein. Computational prediction suggests that this variant may not impact protein structure and function (internally defined REVEL score threshold <= 0.5, PMID: 27666373). To our knowledge, functional studies have not been reported for this variant. This variant has not been reported in individuals affected with hereditary cancer in the literature. This variant has been identified in 5/282664 chromosomes in the general population by the Genome Aggregation Database (gnomAD). The available evidence is insufficient to determine the role of this variant in disease conclusively. Therefore, this variant is classified as a Variant of Uncertain Significance.

This study involves interpretation of variants in research participants for the purpose of population health screening. Participant phenotype was not available at the time of variant classification. Additional details can be found in publication PMID: 35346344, PMCID: PMC8962531

Color Diagnostics, LLC DBA Color Health
Classification: Uncertain significance for Hereditary cancer-predisposing syndrome. Last evaluated: 2023-09-01. Review status: criteria provided, single submitter. Criteria: ACMG Guidelines, 2015. Collection method: clinical testing. Allele origin: germline.
Comment: This variant is located in the MSH6 protein. Computational prediction suggests that this variant may not impact protein structure and function. To our knowledge, functional studies have not been reported for this variant. This variant has not been reported in individuals affected with MSH6-related disorders in the literature. This variant has been identified in 5/282664 chromosomes in the general population by the Genome Aggregation Database (gnomAD). The available evidence is insufficient to determine the role of this variant in disease conclusively. Therefore, this variant is classified as a Variant of Uncertain Significance.

Department of Pathology and Laboratory Medicine, Sinai Health System
Classification: Uncertain significance for Malignant tumor of breast. Review status: no assertion criteria provided. Collection method: clinical testing. Allele origin: unknown. Affected: yes. Study: The Canadian Open Genetics Repository (COGR). Not counted in ClinVar's aggregate classification.
Comment: The MSH6 p.Lys498Arg variant was not identified in the literature nor was it identified in the ClinVar, or UMD-LSDB databases. The variant was identified in dbSNP (ID: rs147136417). The variant was identified in control databases in 4 of 276986 chromosomes at a frequency of 0.00001 (Genome Aggregation Database Feb 27, 2017). The variant was observed in the African population in 4 of 24030 chromosomes (freq: 0.0002), while the variant was not observed in the Other, Latino, European, Ashkenazi Jewish, East Asian, Finnish, and South Asian populations. The p.Lys498 residue is conserved in mammals but not in more distantly related organisms however four out of five computational analyses (PolyPhen-2, SIFT, AlignGVGD, BLOSUM, MutationTaster) do not suggest a high likelihood of impact to the protein; this information is not predictive enough to rule out pathogenicity. The variant occurs outside of the splicing consensus sequence and in silico or computational prediction software programs (SpliceSiteFinder, MaxEntScan, NNSPLICE, GeneSplicer) do not predict a difference in splicing. In summary, based on the above information the clinical significance of this variant cannot be determined with certainty at this time. This variant is classified as a variant of uncertain significance.

Literature cited by the submitters: PubMed 32885271 (cited by Ambry Genetics).